The following is an entry in ClinVar:

ClinVar aggregate classification (germline): Uncertain significance (1 of 4 stars; one submission).

Conditions:
Inborn genetic diseases. Identifiers: MedGen C0950123, MeSH D030342.

Allele frequency attached by ClinVar (database versions not stated): ExAC 0.00006.
gnomAD v4.1: 3 of 1,550,684 alleles (0.00019%); highest among the groups gnomAD compares: Admixed American, 0.002%; no homozygotes.

Submission:

Ambry Genetics
Classification: Uncertain significance for Inborn genetic diseases. Last evaluated: 2019-11-12. Review status: criteria provided, single submitter. Criteria: Ambry Variant Classification Scheme 2023. Collection method: clinical testing. Allele origin: germline.
Comment: The p.P940L variant (also known as c.2819C>T), located in coding exon 26 of the KIF1A gene, results from a C to T substitution at nucleotide position 2819. The proline at codon 940 is replaced by leucine, an amino acid with similar properties. This amino acid position is highly conserved in available vertebrate species. In addition, this alteration is predicted to be deleterious by in silico analysis. Since supporting evidence is limited at this time, the clinical significance of this alteration remains unclear.

NM_001244008.2(KIF1A):c.2819C>T (p.Pro940Leu)

Gene: KIF1A (kinesin family member 1A; minus strand). Cytogenetic location: 2q37.3.
Variant type: single nucleotide variant.
Coding change: c.2819C>T on transcript NM_001244008.2 (MANE Select); coding-DNA position 2819, C replaced by T.
Protein change: p.Pro940Leu; replaces proline 940 with leucine.
Molecular consequence: missense variant. On other transcripts: intron variant (18).
Genome position (GRCh38, 1-based): chr2:240,757,358, G>A on the plus strand (C>T on the coding strand, the complement: KIF1A is on the minus strand). VCF-style: chr2-240757358-G-A. GRCh37 (hg19) VCF-style: chr2-241696775-G-A.
Other names: c.2894C>T, p.Pro965Leu (NM_001379631.1); c.2768C>T, p.Pro923Leu (NM_001379632.1); c.2792C>T, p.Pro931Leu (NM_001379633.1, NM_001379642.1, NM_001379645.1); c.2555+1002C>T (NM_001379653.1, NM_001379650.1, NM_001379640.1 and 6 more transcripts); c.2657+1002C>T (NM_001379635.1, NM_001330290.2, NM_001379646.1 and 1 more transcripts); c.2630+1002C>T (NM_001379637.1, NM_001379648.1); c.2582+1002C>T (NM_001320705.2, NM_001379638.1, NM_001330289.2); short protein forms P931L, P923L, P940L, P965L.
Identifiers: ClinVar variation 1796406 (VCV001796406.2), dbSNP rs544285045, ClinGen allele CA2208014.